The following is an entry in ClinVar:

ClinVar aggregate classification (germline): Uncertain significance (1 of 4 stars; one submission).

Allele frequency attached by ClinVar (database versions not stated): TOPMed 0.00001; gnomAD 0.00004.
gnomAD v4.1: 6 of 1,612,938 alleles (0.00037%); highest among the groups gnomAD compares: African/African-American, 0.008%; no homozygotes.

Submission:

Ambry Genetics
Classification: Uncertain significance. Last evaluated: 2023-09-28. Review status: criteria provided, single submitter. Criteria: Ambry Variant Classification Scheme 2023. Collection method: clinical testing. Allele origin: germline.
Comment: The p.A2382P variant (also known as c.7144G>C), located in coding exon 25 of the POLQ gene, results from a G to C substitution at nucleotide position 7144. The alanine at codon 2382 is replaced by proline, an amino acid with highly similar properties. This amino acid position is conserved. In addition, this alteration is predicted to be deleterious by in silico analysis. Since supporting evidence is limited at this time, the clinical significance of this alteration remains unclear.

NM_199420.4(POLQ):c.7144G>C (p.Ala2382Pro)

Gene: POLQ (DNA polymerase theta; minus strand). Cytogenetic location: 3q13.33.
Variant type: single nucleotide variant.
Coding change: c.7144G>C on transcript NM_199420.4 (MANE Select); coding-DNA position 7144, G replaced by C.
Protein change: p.Ala2382Pro; replaces alanine 2382 with proline.
Molecular consequence: missense variant.
Genome position (GRCh38, 1-based): chr3:121,460,058, C>G on the plus strand (G>C on the coding strand, the complement: POLQ is on the minus strand). VCF-style: chr3-121460058-C-G. GRCh37 (hg19) VCF-style: chr3-121178905-C-G.
Other names: short protein forms A2382P.
Identifiers: ClinVar variation 1757359 (VCV001757359.2), dbSNP rs1010098557, ClinGen allele CA81854417.